The following is an entry in ClinVar:

ClinVar aggregate classification (germline): Conflicting classifications of pathogenicity. Review status: criteria provided, conflicting classifications (1 of 4 stars). 5 submissions from 5 submitters: Uncertain significance (3); Likely benign (1). 1 of the submissions does not count toward it. Last evaluated 2024-12-20.

Conditions:
Hereditary cancer-predisposing syndrome. Also called: Hereditary neoplastic syndrome; Neoplastic Syndromes, Hereditary; Tumor predisposition; Hereditary Cancer Syndrome. Identifiers: Orphanet 140162, MedGen C0027672, MeSH D009386, MONDO:0015356.
Fanconi anemia complementation group J. Also called: BRIP1-Related Fanconi Anemia. Identifiers: Orphanet 84, MedGen C1836860, MONDO:0012187, OMIM 609054.
Familial cancer of breast. Also called: BREAST CANCER, FAMILIAL; Hereditary breast cancer; hereditary breast carcinoma. Identifiers: Orphanet 227535, MedGen C0346153, MONDO:0016419, OMIM 114480. Disease mechanism: loss of function.

Allele frequency attached by ClinVar (database versions not stated): gnomAD exomes below 0.00001 and 0.00001; ExAC 0.00001.
gnomAD v4.1: 2 of 1,613,856 alleles (0.00012%); highest among the groups gnomAD compares: East Asian, 0.0045%; no homozygotes.

Submissions (5):

Labcorp Genetics (formerly Invitae), Labcorp
Classification: Uncertain significance for Familial cancer of breast; Fanconi anemia complementation group J. Last evaluated: 2024-12-20. Review status: criteria provided, single submitter. Criteria: Invitae Variant Classification Sherloc (09022015). Collection method: clinical testing. Allele origin: germline.
Comment: This sequence change replaces serine, which is neutral and polar, with proline, which is neutral and non-polar, at codon 241 of the BRIP1 protein (p.Ser241Pro). This variant is present in population databases (rs771542690, gnomAD 0.01%). This missense change has been observed in individual(s) with prostate cancer, as well as unaffected controls (PMID: 31214711). ClinVar contains an entry for this variant (Variation ID: 483181). Invitae Evidence Modeling of protein sequence and biophysical properties (such as structural, functional, and spatial information, amino acid conservation, physicochemical variation, residue mobility, and thermodynamic stability) indicates that this missense variant is not expected to disrupt BRIP1 protein function with a negative predictive value of 95%. In summary, the available evidence is currently insufficient to determine the role of this variant in disease. Therefore, it has been classified as a Variant of Uncertain Significance.

Ambry Genetics
Classification: Likely benign for Hereditary cancer-predisposing syndrome. Last evaluated: 2023-12-07. Review status: criteria provided, single submitter. Criteria: Ambry Variant Classification Scheme 2023. Collection method: clinical testing. Allele origin: germline.

GeneDx
Classification: Uncertain significance. Last evaluated: 2021-02-01. Review status: criteria provided, single submitter. Criteria: GeneDx Variant Classification Process June 2021. Collection method: clinical testing. Allele origin: germline. Affected: yes.
Comment: Not observed at a significant frequency in large population cohorts (Lek 2016); In silico analysis supports that this missense variant does not alter protein structure/function; Observed in prostate cancer cases but also in healthy controls (Momozawa 2019); This variant is associated with the following publications: (PMID: 31214711)

Color Diagnostics, LLC DBA Color Health
Classification: Uncertain significance for Hereditary cancer-predisposing syndrome. Last evaluated: 2019-07-02. Review status: criteria provided, single submitter. Criteria: ACMG Guidelines, 2015. Collection method: clinical testing. Allele origin: germline.
Comment: This missense variant replaces serine with proline at codon 241 of the BRIP1 protein. Computational prediction tools and conservation analyses suggest that this variant may not impact the protein function. Computational splicing tools suggest that this variant may not impact RNA splicing. To our knowledge, functional assays have not been performed for this variant nor has this variant been reported in individuals affected with hereditary cancer in the literature. This variant has been identified in 2/251174 chromosomes in the general population by the Genome Aggregation Database (gnomAD). Available evidence is insufficient to determine the role of this variant in disease conclusively. Therefore, this variant is classified as a Variant of Uncertain Significance.

Leiden Open Variation Database
Classification: Uncertain significance. Last evaluated: 2019-08-13. Review status: no assertion criteria provided. Collection method: curation. Allele origin: germline. Affected: yes. Not counted in ClinVar's aggregate classification.
Comment: Curator: Arleen D. Auerbach. Submitter to LOVD: Yukihide Momozawa.

Literature cited by the submitters: PubMed 31214711 (cited by 3 submitters).

NM_032043.3(BRIP1):c.721T>C (p.Ser241Pro)

Gene: BRIP1 (BRCA1 interacting DNA helicase 1; minus strand). Cytogenetic location: 17q23.2.
Variant type: single nucleotide variant.
Coding change: c.721T>C on transcript NM_032043.3 (MANE Select); coding-DNA position 721, T replaced by C.
Protein change: p.Ser241Pro; replaces serine 241 with proline.
Molecular consequence: missense variant.
Genome position (GRCh38, 1-based): chr17:61,808,664, A>G on the plus strand (T>C on the coding strand, the complement: BRIP1 is on the minus strand). VCF-style: chr17-61808664-A-G. GRCh37 (hg19) VCF-style: chr17-59886025-A-G.
Other names: short protein forms S241P.
Identifiers: ClinVar variation 483181 (VCV000483181.21), dbSNP rs771542690, ClinGen allele CA8690852.
Genomic context (GRCh38, chr17:61,808,664, plus strand): 5'-TAGTAATCTGAGCAATCTGCTTGTGTGTGCGTGTCCCAAAATATATTTTGGGTATCTTGG[A>G]TTTCCCTGTATGATCCTTCTTAATGGTATTCGATGACTCTTGACTGTTTCCTTGTTTAGT-3'
Protein context (NP_114432.2, residues 231-251): NTIKKDHTGK[Ser241Pro]KIPKIYFGTR